The following is an entry in ClinVar:

ClinVar aggregate classification (germline): Uncertain significance (1 of 4 stars; one submission).

Allele frequency attached by ClinVar (database versions not stated): gnomAD 0.00001; TOPMed 0.00001.

Submission:

Labcorp Genetics (formerly Invitae), Labcorp
Classification: Uncertain significance. Last evaluated: 2022-04-30. Review status: criteria provided, single submitter. Criteria: Invitae Variant Classification Sherloc (09022015). Collection method: clinical testing. Allele origin: germline.
Comment: This sequence change replaces glutamine, which is neutral and polar, with glutamic acid, which is acidic and polar, at codon 925 of the AP3D1 protein (p.Gln925Glu). This variant is not present in population databases (gnomAD no frequency). This variant has not been reported in the literature in individuals affected with AP3D1-related conditions. Algorithms developed to predict the effect of missense changes on protein structure and function (SIFT, PolyPhen-2, Align-GVGD) all suggest that this variant is likely to be tolerated. In summary, the available evidence is currently insufficient to determine the role of this variant in disease. Therefore, it has been classified as a Variant of Uncertain Significance.

NM_001261826.3(AP3D1):c.2773C>G (p.Gln925Glu)

Gene: AP3D1 (adaptor related protein complex 3 subunit delta 1; minus strand). Cytogenetic location: 19p13.3.
Variant type: single nucleotide variant.
Coding change: c.2773C>G on transcript NM_001261826.3 (MANE Select); coding-DNA position 2773, C replaced by G.
Protein change: p.Gln925Glu; replaces glutamine 925 with glutamic acid.
Molecular consequence: missense variant. On other transcripts: intron variant (1).
Genome position (GRCh38, 1-based): chr19:2,112,874, G>C on the plus strand (C>G on the coding strand, the complement: AP3D1 is on the minus strand). VCF-style: chr19-2112874-G-C. GRCh37 (hg19) VCF-style: chr19-2112873-G-C.
Other names: c.2737C>G, p.Gln913Glu (NM_001374799.1); c.2602-1046C>G (NM_003938.8); short protein forms Q913E, Q925E.
Identifiers: ClinVar variation 2132233 (VCV002132233.4), dbSNP rs2018324846, ClinGen allele CA403205702.
Genomic context (GRCh38, chr19:2,112,874, plus strand): 5'-GGGCTCATGCAGCCCTCCACAGCCCCTGGGGGAGTGACAGCCTCACCTTGTCCTGGTCTT[G>C]CCCCTCGGCATCGTCCTCCTCGCCCTGCGCCTCCGTCTTGGCGTCCTCACACTCGTCCTT-3'
Protein context (NP_001248755.1, residues 915-935): AQGEEDDAEG[Gln925Glu]DQDKKSPKPK